The following is an entry in ClinVar:

ClinVar aggregate classification (germline): Uncertain significance. Review status: criteria provided, multiple submitters, no conflicts (2 of 4 stars). 2 submissions from 2 submitters: Uncertain significance (2). Last evaluated 2024-09-05.

Conditions:
Spastic paraplegia. Identifiers: MedGen C0037772, HP:0001258.

Submissions (2):

Labcorp Genetics (formerly Invitae), Labcorp
Classification: Uncertain significance for Spastic paraplegia. Last evaluated: 2024-09-05. Review status: criteria provided, single submitter. Criteria: Invitae Variant Classification Sherloc (09022015). Collection method: clinical testing. Allele origin: germline.
Comment: This sequence change replaces alanine, which is neutral and non-polar, with serine, which is neutral and polar, at codon 1085 of the KDM5C protein (p.Ala1085Ser). This variant is not present in population databases (gnomAD no frequency). This variant has not been reported in the literature in individuals affected with KDM5C-related conditions. Invitae Evidence Modeling of protein sequence and biophysical properties (such as structural, functional, and spatial information, amino acid conservation, physicochemical variation, residue mobility, and thermodynamic stability) has been performed for this missense variant. However, the output from this modeling did not meet the statistical confidence thresholds required to predict the impact of this variant on KDM5C protein function. In summary, the available evidence is currently insufficient to determine the role of this variant in disease. Therefore, it has been classified as a Variant of Uncertain Significance.

Blueprint Genetics
Classification: Uncertain significance. Last evaluated: 2021-11-04. Review status: criteria provided, single submitter. Criteria: ACMG Guidelines, 2015. Collection method: clinical testing. Allele origin: germline.

NM_004187.5(KDM5C):c.3253G>T (p.Ala1085Ser)

Gene: KDM5C (lysine demethylase 5C; minus strand). Cytogenetic location: Xp11.22.
Variant type: single nucleotide variant.
Coding change: c.3253G>T on transcript NM_004187.5 (MANE Select); coding-DNA position 3253, G replaced by T.
Protein change: p.Ala1085Ser; replaces alanine 1085 with serine.
Molecular consequence: missense variant. On other transcripts: non-coding transcript variant (3).
Genome position (GRCh38, 1-based): chrX:53,195,278, C>A on the plus strand (G>T on the coding strand, the complement: KDM5C is on the minus strand). VCF-style: chrX-53195278-C-A. GRCh37 (hg19) VCF-style: chrX-53224460-C-A.
Other names: c.3052G>T, p.Ala1018Ser (NM_001146702.2); c.3250G>T, p.Ala1084Ser (NM_001282622.3, NM_001353979.2, NM_001353982.2); c.3253G>T, p.Ala1085Ser (NM_001353978.3, NM_001353981.2, NM_001353984.2); short protein forms A1018S, A1084S, A1085S.
Identifiers: ClinVar variation 3018774 (VCV003018774.4), dbSNP rs2519383825, ClinGen allele CA413110300.